The following is an entry in ClinVar:

NM_015001.3(SPEN):c.9419C>G (p.Pro3140Arg)

Gene: SPEN (spen family transcriptional repressor; plus strand). Cytogenetic location: 1p36.13.
Variant type: single nucleotide variant.
Coding change: c.9419C>G on transcript NM_015001.3 (MANE Select); coding-DNA position 9419, C replaced by G.
Protein change: p.Pro3140Arg; replaces proline 3140 with arginine.
Molecular consequence: missense variant.
Genome position (GRCh38, 1-based): chr1:15,935,659, C>G. VCF-style: chr1-15935659-C-G. GRCh37 (hg19) VCF-style: chr1-16262154-C-G.
Other names: short protein forms P3140R.
Identifiers: ClinVar variation 3389714 (VCV003389714.14).

ClinVar aggregate classification (germline): Uncertain significance (1 of 4 stars; one submission).

Submission:

CeGaT Center for Human Genetics Tuebingen
Classification: Uncertain significance. Last evaluated: 2024-09-01. Review status: criteria provided, single submitter. Criteria: CeGaT Center For Human Genetics Tuebingen Variant Classification Criteria Version 2. Collection method: clinical testing. Allele origin: germline. Affected: yes. Observed: 1 variant allele.
Comment: SPEN: PM2